The following is an entry in ClinVar:

NM_020693.4(DSCAML1):c.2891C>G (p.Ser964Cys)

Gene: DSCAML1 (DS cell adhesion molecule like 1; minus strand). Cytogenetic location: 11q23.3.
Variant type: single nucleotide variant.
Coding change: c.2891C>G on transcript NM_020693.4 (MANE Select); coding-DNA position 2891, C replaced by G.
Protein change: p.Ser964Cys; replaces serine 964 with cysteine.
Molecular consequence: missense variant.
Genome position (GRCh38, 1-based): chr11:117,471,931, G>C on the plus strand (C>G on the coding strand, the complement: DSCAML1 is on the minus strand). VCF-style: chr11-117471931-G-C. GRCh37 (hg19) VCF-style: chr11-117342646-G-C.
Other names: short protein forms S964C.
Identifiers: ClinVar variation 1989894 (VCV001989894.5), dbSNP rs747978526, ClinGen allele CA6296856.

ClinVar aggregate classification (germline): Uncertain significance. Review status: criteria provided, multiple submitters, no conflicts (2 of 4 stars). 2 submissions from 2 submitters: Uncertain significance (2). Last evaluated 2025-06-03.

Allele frequency attached by ClinVar (database versions not stated): gnomAD 0.00001; gnomAD exomes 0.00001; ExAC 0.00002; TOPMed 0.00003.
gnomAD v4.1: 12 of 1,613,982 alleles (0.00074%); highest among the groups gnomAD compares: Admixed American, 0.018%; no homozygotes.

Submissions (2):

Labcorp Genetics (formerly Invitae), Labcorp
Classification: Uncertain significance. Last evaluated: 2025-06-03. Review status: criteria provided, single submitter. Criteria: Invitae Variant Classification Sherloc (09022015). Collection method: clinical testing. Allele origin: germline.
Comment: This sequence change replaces serine, which is neutral and polar, with cysteine, which is neutral and slightly polar, at codon 1024 of the DSCAML1 protein (p.Ser1024Cys). This variant is present in population databases (rs747978526, gnomAD 0.02%). This variant has not been reported in the literature in individuals affected with DSCAML1-related conditions. ClinVar contains an entry for this variant (Variation ID: 1989894). An algorithm developed to predict the effect of missense changes on protein structure and function (PolyPhen-2) suggests that this variant is likely to be disruptive. In summary, the available evidence is currently insufficient to determine the role of this variant in disease. Therefore, it has been classified as a Variant of Uncertain Significance.

Ambry Genetics
Classification: Uncertain significance. Last evaluated: 2021-08-10. Review status: criteria provided, single submitter. Criteria: Ambry Variant Classification Scheme 2023. Collection method: clinical testing. Allele origin: germline.